The following is an entry in ClinVar:

ClinVar aggregate classification (germline): Pathogenic (1 of 4 stars; one submission).

Submission:

Labcorp Genetics (formerly Invitae), Labcorp
Classification: Pathogenic. Last evaluated: 2022-02-27. Review status: criteria provided, single submitter. Criteria: Invitae Variant Classification Sherloc (09022015). Collection method: clinical testing. Allele origin: germline.
Comment: This sequence change creates a premature translational stop signal (p.Met823Lysfs*11) in the ELP1 gene. It is expected to result in an absent or disrupted protein product. Loss-of-function variants in ELP1 are known to be pathogenic (PMID: 18303054, 24173031). This variant is not present in population databases (gnomAD no frequency). This variant has not been reported in the literature in individuals affected with ELP1-related conditions. For these reasons, this variant has been classified as Pathogenic.

Literature cited by the submitters: PubMed 18303054; PubMed 24173031.

NM_003640.5(ELP1):c.2468_2469del (p.Met823fs)

Gene: ELP1 (elongator acetyltransferase complex subunit 1; minus strand). Cytogenetic location: 9q31.3.
Variant type: Deletion.
Coding change: c.2468_2469del on transcript NM_003640.5 (MANE Select); coding-DNA positions 2468 to 2469, 2 bases deleted (TG; older notation c.2468_2469delTG).
Protein change: p.Met823fs; shifts the reading frame from methionine 823.
Molecular consequence: frameshift variant.
Genome position (GRCh38, 1-based): chr9:108,897,180-108,897,181, CA deleted on the plus strand (TG on the coding strand, the reverse complement: ELP1 is on the minus strand). VCF-style (leftmost placement, unchanged base first): chr9-108897179-TCA-T. GRCh37 (hg19) VCF-style: chr9-111659459-TCA-T.
Other names: c.2126_2127del, p.Met709fs (NM_001318360.2); c.1421_1422del, p.Met474fs (NM_001330749.2); short protein forms M823fs, M709fs, M474fs.
Identifiers: ClinVar variation 2104094 (VCV002104094.4), dbSNP rs2537891068, ClinGen allele CA2580079388.